The following is an entry in ClinVar:

ClinVar aggregate classification (germline): Uncertain significance. Review status: criteria provided, multiple submitters, no conflicts (2 of 4 stars). 2 submissions from 2 submitters: Uncertain significance (2). Last evaluated 2024-06-28.

Conditions:
Inborn genetic diseases. Identifiers: MedGen C0950123, MeSH D030342.

Submissions (2):

Ambry Genetics
Classification: Uncertain significance for Inborn genetic diseases. Last evaluated: 2024-06-28. Review status: criteria provided, single submitter. Criteria: Ambry Variant Classification Scheme 2023. Collection method: clinical testing. Allele origin: germline.

Labcorp Genetics (formerly Invitae), Labcorp
Classification: Uncertain significance. Last evaluated: 2023-02-01. Review status: criteria provided, single submitter. Criteria: Invitae Variant Classification Sherloc (09022015). Collection method: clinical testing. Allele origin: germline.
Comment: This sequence change replaces threonine, which is neutral and polar, with alanine, which is neutral and non-polar, at codon 516 of the PACS2 protein (p.Thr516Ala). This variant is not present in population databases (gnomAD no frequency). This variant has not been reported in the literature in individuals affected with PACS2-related conditions. ClinVar contains an entry for this variant (Variation ID: 1721106). Advanced modeling of protein sequence and biophysical properties (such as structural, functional, and spatial information, amino acid conservation, physicochemical variation, residue mobility, and thermodynamic stability) performed at Invitae indicates that this missense variant is not expected to disrupt PACS2 protein function. In summary, the available evidence is currently insufficient to determine the role of this variant in disease. Therefore, it has been classified as a Variant of Uncertain Significance.

NM_001100913.3(PACS2):c.1546A>G (p.Thr516Ala)

Gene: PACS2 (phosphofurin acidic cluster sorting protein 2; plus strand). Cytogenetic location: 14q32.33.
Variant type: single nucleotide variant.
Coding change: c.1546A>G on transcript NM_001100913.3 (MANE Select); coding-DNA position 1546, A replaced by G.
Protein change: p.Thr516Ala; replaces threonine 516 with alanine.
Molecular consequence: missense variant.
Genome position (GRCh38, 1-based): chr14:105,382,834, A>G. VCF-style: chr14-105382834-A-G. GRCh37 (hg19) VCF-style: chr14-105849171-A-G.
Other names: c.1546A>G (NM_001100913.2); c.1309A>G, p.Thr437Ala (NM_001243127.3); c.1534A>G, p.Thr512Ala (NM_015197.4); short protein forms T437A, T512A, T516A.
Identifiers: ClinVar variation 1721106 (VCV001721106.6), dbSNP rs2544813181, ClinGen allele CA391182689.